The following is an entry in ClinVar:

ClinVar aggregate classification (germline): Uncertain significance (1 of 4 stars; one submission).

Conditions:
Autism, susceptibility to, 17. Also called: Autism susceptibility 17. Identifiers: MedGen C3150693, MONDO:0013265, OMIM 613436.

Allele frequency attached by ClinVar (database versions not stated): gnomAD exomes below 0.00001.
gnomAD v4.1: 1 of 1,550,996 alleles (0.000064%); highest among the groups gnomAD compares: Non-Finnish European, 0.000087%; no homozygotes.

Submission:

New York Genome Center
Classification: Uncertain significance for Autism, susceptibility to, 17. Last evaluated: 2021-05-07. Review status: criteria provided, single submitter. Criteria: NYGC Assertion Criteria 2020. Collection method: clinical testing. Allele origin: germline. Observed: 1 heterozygote. Study: CSER-NYCKidSeq.
Comment: The heterozygous c.729C>A (p.Asn243Lys) variant identified in the SHANK2 gene has not been reported in affected individuals in the literature. The variant is absent from the gnomAD(v3) database suggesting it is not a common benign variant in the populations represented in that database. In Silico tools provide conflicting predictions about potential pathogenicity of this variant [CADD score= 23.9, REVEL score= 0.448]. Based on the available evidence, the heterozygous c.729C>A (p.Asn243Lys) variant identified in the SHANK2 gene is reported as a variant of uncertain significance.

NM_012309.5(SHANK2):c.729C>A (p.Asn243Lys)

Gene: SHANK2 (SH3 and multiple ankyrin repeat domains 2; minus strand). Cytogenetic location: 11q13.4.
Variant type: single nucleotide variant.
Coding change: c.729C>A on transcript NM_012309.5 (MANE Select); coding-DNA position 729, C replaced by A.
Protein change: p.Asn243Lys; replaces asparagine 243 with lysine.
Molecular consequence: missense variant.
Genome position (GRCh38, 1-based): chr11:71,094,552, G>T on the plus strand (C>A on the coding strand, the complement: SHANK2 is on the minus strand). VCF-style: chr11-71094552-G-T. GRCh37 (hg19) VCF-style: chr11-70805598-G-T.
Other names: short protein forms N243K.
Identifiers: ClinVar variation 1679754 (VCV001679754.1), dbSNP rs1951573835, ClinGen allele CA381960760.
Genomic context (GRCh38, chr11:71,094,552, plus strand): 5'-ATCAGAGCACGGGGTGGCACCCAAGTAAGATGGGCCCGAGTTTACCTTCAGGGCAACTTG[G>T]TTCCTCGCTCGGGCAGCTTTGTGTAGGGCGGTCATCCCATCTTTGGCACGGAAGTCCAGG-3'
Protein context (NP_036441.2, residues 233-253): TALHKAARAR[Asn243Lys]QVALKTLLEL